The following is an entry in ClinVar:

ClinVar aggregate classification (germline): Likely benign (1 of 4 stars; one submission).

Conditions:
VCP-related disorder. Also called: VCP-related condition; VCP-related disorders.

gnomAD v4.1: 2 of 1,614,158 alleles (0.00012%); highest among the groups gnomAD compares: African/African-American, 0.0027%; no homozygotes.

Submission:

PreventionGenetics, part of Exact Sciences
Classification: Likely benign for VCP-related condition. Last evaluated: 2025-03-20. Review status: criteria provided, single submitter. Criteria: ACMG Guidelines, 2015. Collection method: clinical testing. Allele origin: germline.
Comment: This variant is classified as likely benign based on ACMG/AMP sequence variant interpretation guidelines (Richards et al. 2015 PMID: 25741868, with internal and published modifications).

NM_007126.5(VCP):c.2268G>A (p.Glu756=)

Gene: VCP (valosin containing protein; minus strand). Cytogenetic location: 9p13.3.
Variant type: single nucleotide variant.
Coding change: c.2268G>A on transcript NM_007126.5 (MANE Select); coding-DNA position 2268, G replaced by A.
Protein change: p.Glu756=; no amino-acid change (glutamic acid 756 retained).
Molecular consequence: synonymous variant.
Genome position (GRCh38, 1-based): chr9:35,057,423, C>T on the plus strand (G>A on the coding strand, the complement: VCP is on the minus strand). VCF-style: chr9-35057423-C-T. GRCh37 (hg19) VCF-style: chr9-35057420-C-T.
Other names: c.2133G>A, p.Glu711= (NM_001354927.2, NM_001354928.2).
Identifiers: ClinVar variation 4986426 (VCV004986426.1).